The following is an entry in ClinVar:

NM_015046.7(SETX):c.1667A>G (p.Lys556Arg)

Gene: SETX (senataxin; minus strand). Cytogenetic location: 9q34.13.
Variant type: single nucleotide variant.
Coding change: c.1667A>G on transcript NM_015046.7 (MANE Select); coding-DNA position 1667, A replaced by G.
Protein change: p.Lys556Arg; replaces lysine 556 with arginine.
Molecular consequence: missense variant.
Genome position (GRCh38, 1-based): chr9:132,329,931, T>C on the plus strand (A>G on the coding strand, the complement: SETX is on the minus strand). VCF-style: chr9-132329931-T-C. GRCh37 (hg19) VCF-style: chr9-135205318-T-C.
Other names: c.1667A>G, p.Lys556Arg (NM_001351527.2, NM_001351528.2); short protein forms K556R.
Identifiers: ClinVar variation 2530897 (VCV002530897.8), dbSNP rs754890755, ClinGen allele CA5297735.

ClinVar aggregate classification (germline): Conflicting classifications of pathogenicity. Review status: criteria provided, conflicting classifications (1 of 4 stars). 4 submissions from 4 submitters: Uncertain significance (3); Benign (1). Last evaluated 2024-05-16.

Conditions:
Inborn genetic diseases. Identifiers: MedGen C0950123, MeSH D030342.
Amyotrophic lateral sclerosis type 4 (ALS4). Also called: NEURONOPATHY, DISTAL HEREDITARY MOTOR, WITH PYRAMIDAL FEATURES; AMYOTROPHIC LATERAL SCLEROSIS 4, JUVENILE. Identifiers: Orphanet 357043, MedGen C1865409, MONDO:0011223, OMIM 602433.
Spinocerebellar ataxia, autosomal recessive, with axonal neuropathy 2 (SCAN2). Also called: Ataxia-ocular apraxia-2; Ataxia with Oculomotor Apraxia Type 2; Ataxia with Oculomotor Apraxia; ATAXIA-OCULOMOTOR APRAXIA 2. Identifiers: Orphanet 64753, MedGen C1853761, MONDO:0018996, OMIM 606002.

Allele frequency attached by ClinVar (database versions not stated): gnomAD exomes below 0.00001; ExAC 0.00001; gnomAD 0.00003.
gnomAD v4.1: 10 of 1,614,088 alleles (0.00062%); highest among the groups gnomAD compares: East Asian, 0.011%; no homozygotes.

Submissions (4):

GeneDx
Classification: Uncertain significance. Last evaluated: 2024-05-16. Review status: criteria provided, single submitter. Criteria: GeneDx Variant Classification Process June 2021. Collection method: clinical testing. Allele origin: germline. Affected: yes.
Comment: In silico analysis indicates that this missense variant does not alter protein structure/function; Has not been previously published as pathogenic or benign to our knowledge

Women's Health and Genetics/Laboratory Corporation of America, LabCorp
Classification: Uncertain significance. Last evaluated: 2024-02-28. Review status: criteria provided, single submitter. Criteria: LabCorp Variant Classification Summary - May 2015. Collection method: clinical testing. Allele origin: germline.
Comment: Variant summary: SETX c.1667A>G (p.Lys556Arg) results in a conservative amino acid change in the encoded protein sequence. Four of five in-silico tools predict a benign effect of the variant on protein function. The variant allele was found at a frequency of 1.2e-05 in 251156 control chromosomes. The available data on variant occurrences in the general population are insufficient to allow any conclusion about variant significance. To our knowledge, no occurrence of c.1667A>G in individuals affected with Amyotrophic Lateral Sclerosis Type 4 and no experimental evidence demonstrating its impact on protein function have been reported. ClinVar contains an entry for this variant (Variation ID: 2530897). Based on the evidence outlined above, the variant was classified as uncertain significance.

Labcorp Genetics (formerly Invitae), Labcorp
Classification: Benign for Amyotrophic lateral sclerosis type 4; Spinocerebellar ataxia, autosomal recessive, with axonal neuropathy 2. Last evaluated: 2024-01-17. Review status: criteria provided, single submitter. Criteria: Invitae Variant Classification Sherloc (09022015). Collection method: clinical testing. Allele origin: germline.

Ambry Genetics
Classification: Uncertain significance for Inborn genetic diseases. Last evaluated: 2023-03-29. Review status: criteria provided, single submitter. Criteria: Ambry Variant Classification Scheme 2023. Collection method: clinical testing. Allele origin: germline.